The following is an entry in ClinVar:

NM_198253.3(TERT):c.2701C>T (p.Arg901Trp)

Gene: TERT (telomerase reverse transcriptase; minus strand). Cytogenetic location: 5p15.33.
Variant type: single nucleotide variant.
Coding change: c.2701C>T on transcript NM_198253.3 (MANE Select); coding-DNA position 2701, C replaced by T.
Protein change: p.Arg901Trp; replaces arginine 901 with tryptophan.
Molecular consequence: missense variant. On other transcripts: intron variant (1).
Genome position (GRCh38, 1-based): chr5:1,264,546, G>A on the plus strand (C>T on the coding strand, the complement: TERT is on the minus strand). VCF-style: chr5-1264546-G-A. GRCh37 (hg19) VCF-style: chr5-1264661-G-A.
Other names: c.2654+1918C>T (NM_001193376.3); short protein forms R901W.
Identifiers: ClinVar variation 29901 (VCV000029901.11), dbSNP rs199422304, ClinGen allele CA128729.
Genomic context (GRCh38, chr5:1,264,546, plus strand): 5'-GAACAAAAGCCGTGCCACCCAGGGCCTCGTCTTCTACAGGGAAGTTCACCACTGTCTTCC[G>A]CAAGTTCACCACGCAGCCATACTCAGGGACACCTCGGACCAGGGTCCTAAGGCAGAGGGG-3'
Protein context (NP_937983.2, residues 891-911): VPEYGCVVNL[Arg901Trp]KTVVNFPVED

ClinVar aggregate classification (germline): Conflicting classifications of pathogenicity. Review status: criteria provided, conflicting classifications (1 of 4 stars). 5 submissions from 5 submitters: Likely pathogenic (2); Uncertain significance (1). 2 of the submissions do not count toward it. Last evaluated 2025-04-27.

Conditions:
Idiopathic Pulmonary Fibrosis. Also called: Idiopathic fibrosing alveolitis, chronic form; idiopathic fibrosing alveolitis. Identifiers: Orphanet 2032, MedGen C1800706, MeSH D054990, MONDO:0800504.
Dyskeratosis congenita, autosomal dominant 2. Identifiers: MedGen C3151443, MONDO:0013521, OMIM 613989.
TERT-related disorder. Also called: TERT-related condition; TERT-related disorders.
Autosomal recessive dyskeratosis congenita 4. Identifiers: MedGen C3151444, MONDO:0027353.
Dyskeratosis congenita. Identifiers: Orphanet 1775, MedGen C0265965, MONDO:0015780.
Dyskeratosis congenita, autosomal recessive 1. Identifiers: Orphanet 1775, MedGen C1857144, MONDO:0009136, OMIM 224230.

Allele frequency attached by ClinVar (database versions not stated): gnomAD 0.00001.
gnomAD v4.1: 3 of 1,613,892 alleles (0.00019%); highest among the groups gnomAD compares: Non-Finnish European, 0.00025%; no homozygotes.

Submissions (5):

Labcorp Genetics (formerly Invitae), Labcorp
Classification: Uncertain significance for Dyskeratosis congenita, autosomal dominant 2; Idiopathic Pulmonary Fibrosis. Last evaluated: 2025-04-27. Review status: criteria provided, single submitter. Criteria: Invitae Variant Classification Sherloc (09022015). Collection method: clinical testing. Allele origin: germline.
Comment: This sequence change replaces arginine, which is basic and polar, with tryptophan, which is neutral and slightly polar, at codon 901 of the TERT protein (p.Arg901Trp). This variant is not present in population databases (gnomAD no frequency). This missense change has been observed in individual(s) with Hoyeraal-Hreidarsson syndrome and/or pulmonary fibrosis (PMID: 17785587, 30603600, 36769106). ClinVar contains an entry for this variant (Variation ID: 29901). Invitae Evidence Modeling of protein sequence and biophysical properties (such as structural, functional, and spatial information, amino acid conservation, physicochemical variation, residue mobility, and thermodynamic stability) indicates that this missense variant is not expected to disrupt TERT protein function with a negative predictive value of 95%. Experimental studies have shown that this missense change affects TERT function (PMID: 17785587). In summary, the available evidence is currently insufficient to determine the role of this variant in disease. Therefore, it has been classified as a Variant of Uncertain Significance.

Ambry Genetics
Classification: Likely pathogenic for Dyskeratosis congenita. Last evaluated: 2022-04-13. Review status: criteria provided, single submitter. Criteria: Ambry Variant Classification Scheme 2023. Collection method: clinical testing. Allele origin: germline.
Comment: The n.2701C>T variant (also known as c.2701C>T p.R901W), located in exon 11 of the TERT gene, results from a C to T substitution at nucleotide position 2701. The arginine at codon 901 is replaced by tryptophan, an amino acid with dissimilar properties. This variant was also detected in the heterozygous state in multiple individuals with idiopathic pulmonary fibrosis and/or other features consistent with TERT-related disease (Sousa SR et al. Respir Med Case Rep, 2019 Dec;26:118-122; Ambry internal data). Furthermore, an in vitro study showed that this variant reduces telomerase activity to less than 25% of wild type (Marrone A et al. Blood, 2007 Dec;110:4198-205). This variant is considered to be rare based on population cohorts in the Genome Aggregation Database (gnomAD). This amino acid position is poorly conserved in available vertebrate species. In addition, this alteration is predicted to be deleterious by in silico analysis. Based on the majority of available evidence to date, this variant is likely to be pathogenic.

Blueprint Genetics
Classification: Likely pathogenic for TERT-related disorders. Last evaluated: 2019-05-14. Review status: criteria provided, single submitter. Criteria: ACMG Guidelines, 2015. Collection method: clinical testing. Allele origin: germline. Affected: yes. Observed: 2 variant alleles.

OMIM
Classification: Pathogenic for DYSKERATOSIS CONGENITA, AUTOSOMAL RECESSIVE 4. Last evaluated: 2007-12-15. Review status: no assertion criteria provided. Collection method: literature only. Allele origin: germline. Not counted in ClinVar's aggregate classification.

GeneReviews
No classification provided. Condition: Dyskeratosis congenita, autosomal recessive 1. Review status: no classification provided. Collection method: literature only. Allele origin: unknown. Not counted in ClinVar's aggregate classification.

Literature cited by the submitters: PubMed 17785587 (cited by Labcorp Genetics (formerly Invitae), Labcorp and OMIM); PubMed 30603600 (cited by Labcorp Genetics (formerly Invitae), Labcorp); PubMed 36769106 (cited by Labcorp Genetics (formerly Invitae), Labcorp); PubMed 20301779 (cited by GeneReviews); NCBI Bookshelf NBK22301 (cited by GeneReviews).